The following is an entry in ClinVar:

ClinVar aggregate classification (germline): Uncertain significance. Review status: criteria provided, multiple submitters, no conflicts (2 of 4 stars). 2 submissions from 2 submitters: Uncertain significance (2). Last evaluated 2024-08-19.

Conditions:
Inborn genetic diseases. Identifiers: MedGen C0950123, MeSH D030342.
Deficiency of alpha-mannosidase (MANSA). Also called: LYSOSOMAL ALPHA-D-MANNOSIDASE DEFICIENCY; Mannosidosis, alpha-, types I and II; Alpha-Mannosidosis. Identifiers: Orphanet 61, MedGen C0024748, MONDO:0009561, OMIM 248500.

Allele frequency attached by ClinVar (database versions not stated): TOPMed below 0.00001; gnomAD 0.00001.
gnomAD v4.1: 2 of 1,613,878 alleles (0.00012%); highest among the groups gnomAD compares: African/African-American, 0.0013%; no homozygotes.

Submissions (2):

Ambry Genetics
Classification: Uncertain significance for Inborn genetic diseases. Last evaluated: 2024-08-19. Review status: criteria provided, single submitter. Criteria: Ambry Variant Classification Scheme 2023. Collection method: clinical testing. Allele origin: germline.

Labcorp Genetics (formerly Invitae), Labcorp
Classification: Uncertain significance for Deficiency of alpha-mannosidase. Last evaluated: 2022-05-12. Review status: criteria provided, single submitter. Criteria: Invitae Variant Classification Sherloc (09022015). Collection method: clinical testing. Allele origin: germline.
Comment: This sequence change replaces proline, which is neutral and non-polar, with leucine, which is neutral and non-polar, at codon 529 of the MAN2B1 protein (p.Pro529Leu). This variant is not present in population databases (gnomAD no frequency). This variant has not been reported in the literature in individuals affected with MAN2B1-related conditions. Algorithms developed to predict the effect of missense changes on protein structure and function are either unavailable or do not agree on the potential impact of this missense change (SIFT: "Deleterious"; PolyPhen-2: "Probably Damaging"; Align-GVGD: "Class C0"). In summary, the available evidence is currently insufficient to determine the role of this variant in disease. Therefore, it has been classified as a Variant of Uncertain Significance.

NM_000528.4(MAN2B1):c.1586C>T (p.Pro529Leu)

Gene: MAN2B1 (mannosidase alpha class 2B member 1; minus strand). Cytogenetic location: 19p13.13.
Variant type: single nucleotide variant.
Coding change: c.1586C>T on transcript NM_000528.4 (MANE Select); coding-DNA position 1586, C replaced by T.
Protein change: p.Pro529Leu; replaces proline 529 with leucine.
Molecular consequence: missense variant.
Genome position (GRCh38, 1-based): chr19:12,656,629, G>A on the plus strand (C>T on the coding strand, the complement: MAN2B1 is on the minus strand). VCF-style: chr19-12656629-G-A. GRCh37 (hg19) VCF-style: chr19-12767443-G-A.
Other names: c.1586C>T (NM_000528.3); c.1583C>T, p.Pro528Leu (NM_001173498.2); short protein forms P528L, P529L.
Identifiers: ClinVar variation 1451089 (VCV001451089.6), dbSNP rs1330706618, ClinGen allele CA404245680.
Genomic context (GRCh38, chr19:12,656,629, plus strand): 5'-ACATCGCTGGGCACTGTCCTGCCATTGGGGTCCTTCACAACGAAAACGCCTTCGCTGACC[G>A]GCAGCCGTACCATCCAATTCACCTTCCGCCCCAGGGGATTATAAACGATGACCTGGAACT-3'
Protein context (NP_000519.2, residues 519-539): GRKVNWMVRL[Pro529Leu]VSEGVFVVKD